The following is an entry in ClinVar:

NM_001267550.2(TTN):c.4209-10T>C

Genes: TTN (titin; minus strand), LOC101927055 (uncharacterized LOC101927055; plus strand). Cytogenetic location: 2q31.2.
Variant type: single nucleotide variant.
Coding change: c.4209-10T>C on transcript NM_001267550.2 (MANE Select); 10 bases into the intron before coding-DNA position 4209, T replaced by C.
Molecular consequence: intron variant. On other transcripts: non-coding transcript variant (1).
Genome position (GRCh38, 1-based): chr2:178,777,985, A>G on the plus strand (T>C on the coding strand, the complement: TTN is on the minus strand). VCF-style: chr2-178777985-A-G. GRCh37 (hg19) VCF-style: chr2-179642712-A-G.
Other names: p.?; c.4071-10T>C (NM_003319.4, NM_133437.4, NM_133432.3); c.4209-10T>C (NM_133378.4, NM_001256850.1, NM_133379.5).
Identifiers: ClinVar variation 4684624 (VCV004684624.1).

ClinVar aggregate classification (germline): Likely benign (1 of 4 stars; one submission).

Submission:

Mayo Clinic Laboratories, Mayo Clinic
Classification: Likely benign. Last evaluated: 2025-05-21. Review status: criteria provided, single submitter. Criteria: ACMG Guidelines, 2015. Collection method: clinical testing. Allele origin: germline. Observed: 1 variant allele.
Comment: BP4, BP7, PM2_supporting